The following is an entry in ClinVar:

NM_021813.4(BACH2):c.847G>A (p.Glu283Lys)

Gene: BACH2 (BACH transcriptional regulator 2; minus strand). Cytogenetic location: 6q15.
Variant type: single nucleotide variant.
Coding change: c.847G>A on transcript NM_021813.4 (MANE Select); coding-DNA position 847, G replaced by A.
Protein change: p.Glu283Lys; replaces glutamic acid 283 with lysine.
Molecular consequence: missense variant.
Genome position (GRCh38, 1-based): chr6:89,951,259, C>T on the plus strand (G>A on the coding strand, the complement: BACH2 is on the minus strand). VCF-style: chr6-89951259-C-T. GRCh37 (hg19) VCF-style: chr6-90660978-C-T.
Other names: c.847G>A, p.Glu283Lys (NM_001170794.2); short protein forms E283K.
Identifiers: ClinVar variation 1371357 (VCV001371357.6), dbSNP rs368297011, ClinGen allele CA3928101.

ClinVar aggregate classification (germline): Uncertain significance (1 of 4 stars; one submission).

Allele frequency attached by ClinVar (database versions not stated): TOPMed below 0.00001; ExAC 0.00002; gnomAD exomes 0.00002; ESP Exome Variant Server 0.00008.
gnomAD v4.1: 36 of 1,614,194 alleles (0.0022%); highest among the groups gnomAD compares: Non-Finnish European, 0.0027%; no homozygotes.

Submission:

Labcorp Genetics (formerly Invitae), Labcorp
Classification: Uncertain significance. Last evaluated: 2025-09-03. Review status: criteria provided, single submitter. Criteria: Invitae Variant Classification Sherloc (09022015). Collection method: clinical testing. Allele origin: germline.
Comment: This sequence change replaces glutamic acid, which is acidic and polar, with lysine, which is basic and polar, at codon 283 of the BACH2 protein (p.Glu283Lys). This variant is present in population databases (rs368297011, gnomAD 0.004%). This missense change has been observed in individual(s) with primary immune dysregulatory disorders (PMID: 32185379). ClinVar contains an entry for this variant (Variation ID: 1371357). An algorithm developed to predict the effect of missense changes on protein structure and function (PolyPhen-2) suggests that this variant is likely to be tolerated. In summary, the available evidence is currently insufficient to determine the role of this variant in disease. Therefore, it has been classified as a Variant of Uncertain Significance.

Literature cited by the submitters: PubMed 32185379.